The following is an entry in ClinVar:

ClinVar aggregate classification (germline): Uncertain significance. Review status: criteria provided, single submitter (1 of 4 stars). 2 submissions from 2 submitters: Uncertain significance (1). 1 of the submissions does not count toward it. Last evaluated 2023-02-10.

Conditions:
Retinal dystrophy. Also called: Inherited retinal dystrophy. Identifiers: Orphanet 71862, MedGen C0854723, MeSH D058499, MONDO:0019118, HP:0000556.
Stickler syndrome type 2 (STL2). Also called: STICKLER SYNDROME, TYPE II; STICKLER SYNDROME, BEADED VITREOUS TYPE; STICKLER SYNDROME, VITREOUS TYPE 2; COL11A1-Related Stickler Syndrome. Identifiers: Orphanet 828, Orphanet 90654, MedGen C1858084, MONDO:0011493, OMIM 604841.

Submissions (2):

Laboratorio de Genetica e Diagnostico Molecular, Hospital Israelita Albert Einstein
Classification: Uncertain significance for Stickler syndrome type 2. Last evaluated: 2023-02-10. Review status: criteria provided, single submitter. Criteria: ACMG Guidelines, 2015. Collection method: clinical testing. Allele origin: germline. Affected: yes. Observed: 1 variant allele.
Comment: ACMG classification criteria: PM2 moderated, PP3 supporting

Institute of Human Genetics, Univ. Regensburg, Univ. Regensburg
Classification: Uncertain significance for Retinal dystrophy. Last evaluated: 2021-01-01. Review status: no assertion criteria provided. Criteria: ACMG Guidelines, 2015. Collection method: clinical testing. Allele origin: germline. Affected: yes. Not counted in ClinVar's aggregate classification.

NM_001854.4(COL11A1):c.2862+3A>G

Gene: COL11A1 (collagen type XI alpha 1 chain; minus strand). Cytogenetic location: 1p21.1.
Variant type: single nucleotide variant.
Coding change: c.2862+3A>G on transcript NM_001854.4 (MANE Select); 3 bases into the intron after coding-DNA position 2862, A replaced by G.
Molecular consequence: intron variant.
Genome position (GRCh38, 1-based): chr1:102,970,216, T>C on the plus strand (A>G on the coding strand, the complement: COL11A1 is on the minus strand). VCF-style: chr1-102970216-T-C. GRCh37 (hg19) VCF-style: chr1-103435772-T-C.
Other names: c.2745+3A>G (NM_001190709.2); c.2898+3A>G (NM_080629.3); c.2514+3A>G (NM_080630.4).
Identifiers: ClinVar variation 2431441 (VCV002431441.2), dbSNP rs2525014999, ClinGen allele CA2580060722.